The following is an entry in ClinVar:

NM_000548.5(TSC2):c.1821G>A (p.Ala607=)

Gene: TSC2 (TSC complex subunit 2; plus strand). Cytogenetic location: 16p13.3.
Variant type: single nucleotide variant.
Coding change: c.1821G>A on transcript NM_000548.5 (MANE Select); coding-DNA position 1821, G replaced by A.
Protein change: p.Ala607=; no amino-acid change (alanine 607 retained).
Molecular consequence: synonymous variant.
Genome position (GRCh38, 1-based): chr16:2,070,560, G>A. VCF-style: chr16-2070560-G-A. GRCh37 (hg19) VCF-style: chr16-2120561-G-A.
Other names: p.A607A:GCG>GCA; c.1821G>A, p.Ala607= (NM_001077183.3, NM_001114382.3, NM_001363528.2 and 3 more transcripts); c.1710G>A, p.Ala570= (NM_001318827.2); c.1674G>A, p.Ala558= (NM_001318829.2); c.1221G>A, p.Ala407= (NM_001318831.2); c.1854G>A, p.Ala618= (NM_001318832.2).
Identifiers: ClinVar variation 65382 (VCV000065382.52), dbSNP rs149543046, ClinGen allele CA015889.
Genomic context (GRCh38, chr16:2,070,560, plus strand): 5'-TGAGATGCTGGTCAGCCACATTCAGCTCCACTACAAGCACAGCTACACCCTGCCAATCGC[G>A]AGCAGCATCCGGCTGCAGGTATGGTGGCTGGGGTTGCGCAGCCAGTTCCTGGGGGCCCAG-3'
Protein context (NP_000539.2, residues 597-617): HYKHSYTLPI[Ala607=]SSIRLQAFDF

ClinVar aggregate classification (germline): Benign/Likely benign. Review status: criteria provided, multiple submitters, no conflicts (2 of 4 stars). 14 submissions from 14 submitters: Benign (7); Likely benign (6). 1 of the submissions does not count toward it. Last evaluated 2026-08-01.

Conditions:
Tuberous sclerosis 2 (TSC2). Identifiers: Orphanet 805, MedGen C1860707, MONDO:0013199, OMIM 613254.
Lymphangiomyomatosis (LAM). Also called: Lymphangioleiomyomatosis; Lymphangioleiomyomatosis, somatic. Identifiers: Orphanet 538, MedGen C0751674, MONDO:0011705, OMIM 606690.
Isolated focal cortical dysplasia type II (FCORD2). Also called: Focal cortical dysplasia type II; CORTICAL DYSPLASIA OF TAYLOR. Identifiers: Orphanet 268994, MedGen C1846385, MONDO:0011818, OMIM 607341, HP:0032051.
Hereditary cancer-predisposing syndrome. Also called: Neoplastic Syndromes, Hereditary; Tumor predisposition; Hereditary Cancer Syndrome; Hereditary neoplastic syndrome. Identifiers: Orphanet 140162, MedGen C0027672, MeSH D009386, MONDO:0015356.
Tuberous sclerosis syndrome (TSC). Also called: Tuberous Sclerosis Complex; Tuberous sclerosis. Identifiers: Orphanet 805, MedGen C0041341, MONDO:0001734.

Allele frequency attached by ClinVar (database versions not stated): gnomAD 0.00026 and 0.00050; ExAC 0.00028; gnomAD exomes 0.00030; ESP Exome Variant Server 0.00046; TOPMed 0.00060.
gnomAD v4.1: 616 of 1,613,032 alleles (0.038%); highest among the groups gnomAD compares: Non-Finnish European, 0.04%; no homozygotes.

Submissions (14):

CeGaT Center for Human Genetics Tuebingen
Classification: Likely benign. Last evaluated: 2026-08-01. Review status: criteria provided, single submitter. Criteria: CeGaT Center For Human Genetics Tuebingen Variant Classification Criteria Version 2. Collection method: clinical testing. Allele origin: germline. Affected: yes. Observed: 13 variant alleles.
Comment: TSC2: BP4, BP7

Labcorp Genetics (formerly Invitae), Labcorp
Classification: Benign for Tuberous sclerosis 2. Last evaluated: 2026-01-22. Review status: criteria provided, single submitter. Criteria: Invitae Variant Classification Sherloc (09022015). Collection method: clinical testing. Allele origin: germline.

Myriad Genetics, Inc.
Classification: Benign for Tuberous sclerosis 2. Last evaluated: 2025-05-15. Review status: criteria provided, single submitter. Criteria: Myriad Autosomal Dominant, Autosomal Recessive and X-Linked Classification Criteria (2023). Collection method: clinical testing. Allele origin: unknown.
Comment: This variant is considered benign. This variant is a silent/synonymous amino acid change and it is not expected to impact splicing.

Department of Pathology and Laboratory Medicine, Sinai Health System
Classification: Likely benign for Lymphangiomyomatosis; Isolated focal cortical dysplasia type II; Tuberous sclerosis 2. Last evaluated: 2025-01-28. Review status: criteria provided, single submitter. Criteria: ACMG Guidelines, 2015. Collection method: clinical testing. Allele origin: germline.

Blueprint Genetics
Classification: Likely benign. Last evaluated: 2024-03-02. Review status: criteria provided, single submitter. Criteria: ACMG Guidelines, 2015. Collection method: clinical testing. Allele origin: germline.

All of Us Research Program, National Institutes of Health
Classification: Benign for Tuberous sclerosis syndrome. Last evaluated: 2024-02-05. Review status: criteria provided, single submitter. Criteria: ACMG Guidelines, 2015. Collection method: clinical testing. Allele origin: germline. Inheritance: Autosomal dominant inheritance. Observed: 63 variant alleles, 63 heterozygotes.
Comment: This study involves interpretation of variants in research participants for the purpose of population health screening. Participant phenotype was not available at the time of variant classification. Additional details can be found in publication PMID: 35346344, PMCID: PMC8962531

Color Diagnostics, LLC DBA Color Health
Classification: Benign for Tuberous sclerosis syndrome. Last evaluated: 2022-09-07. Review status: criteria provided, single submitter. Criteria: ACMG Guidelines, 2015. Collection method: clinical testing. Allele origin: germline.

Genome-Nilou Lab
Classification: Benign for Tuberous sclerosis 2. Last evaluated: 2021-11-07. Review status: criteria provided, single submitter. Criteria: ACMG Guidelines, 2015. Collection method: clinical testing. Allele origin: germline. Affected: no.

Sema4
Classification: Benign for Hereditary cancer-predisposing syndrome. Last evaluated: 2020-09-22. Review status: criteria provided, single submitter. Criteria: Sema4 Curation Guidelines. Collection method: curation. Allele origin: germline.

Illumina Laboratory Services, Illumina
Classification: Likely benign for Tuberous sclerosis syndrome. Last evaluated: 2017-04-27. Review status: criteria provided, single submitter. Criteria: ICSL Variant Classification Criteria 13 December 2019. Collection method: clinical testing. Allele origin: germline.
Comment: This variant was observed as part of a predisposition screen in an ostensibly healthy population. A literature search was performed for the gene, cDNA change, and amino acid change (where applicable). No publications were found based on this search. Allele frequency data from public databases allowed determination this variant is unlikely to cause disease. Therefore, this variant is classified as likely benign.

Ambry Genetics
Classification: Likely benign for Hereditary cancer-predisposing syndrome. Last evaluated: 2015-01-08. Review status: criteria provided, single submitter. Criteria: Ambry Variant Classification Scheme 2023. Collection method: clinical testing. Allele origin: germline.

GeneDx
Classification: Benign. Last evaluated: 2014-03-20. Review status: criteria provided, single submitter. Criteria: GeneDx Variant Classification (06012015). Collection method: clinical testing. Allele origin: germline. Affected: yes.
Comment: This variant is considered likely benign or benign based on one or more of the following criteria: it is a conservative change, it occurs at a poorly conserved position in the protein, it is predicted to be benign by multiple in silico algorithms, and/or has population frequency not consistent with disease.

PreventionGenetics, part of Exact Sciences
Classification: Likely benign. Review status: criteria provided, single submitter. Criteria: ACMG Guidelines, 2015. Collection method: clinical testing. Allele origin: germline.

Tuberous sclerosis database (TSC2)
No classification provided. Condition: TSC. Review status: no classification provided. Criteria: Tuberous Sclerosis Database Assertion Criteria 2015. Collection method: curation. Allele origin: germline. Affected: yes. Not counted in ClinVar's aggregate classification.

Literature cited by the submitters: PubMed 15798777 (cited by Ambry Genetics).